The following is an entry in ClinVar:

ClinVar aggregate classification (germline): Likely pathogenic (1 of 4 stars; one submission).

Conditions:
Microphthalmia with brain and digit anomalies (MCOPS6). Also called: MICROPHTHALMIA AND PITUITARY ANOMALIES; Microphthalmia, syndromic 6. Identifiers: Orphanet 139471, MedGen C1864689, MONDO:0011936, OMIM 607932.

Submission:

MVZ Medizinische Genetik Mainz
Classification: Likely pathogenic for Microphthalmia with brain and digit anomalies. Last evaluated: 2024-09-12. Review status: criteria provided, single submitter. Criteria: UK Practice Guidelines For Variant Classification V4 01 2020. Collection method: clinical testing. Allele origin: germline. Inheritance: Autosomal dominant inheritance. Affected: yes. Observed: 1 variant allele.
Comment: ACMG Criteria: PVS1_STR,PM1_SUP,PM2_SUP

NM_001202.6(BMP4):c.602del (p.Asp201fs)

Gene: BMP4 (bone morphogenetic protein 4; minus strand). Cytogenetic location: 14q22.2.
Variant type: Deletion.
Coding change: c.602del on transcript NM_001202.6 (MANE Select); coding-DNA position 602, one base deleted (A; older notation c.602delA).
Protein change: p.Asp201fs; shifts the reading frame from aspartic acid 201.
Molecular consequence: frameshift variant.
Genome position (GRCh38, 1-based): chr14:53,950,657, T deleted on the plus strand (A on the coding strand, the reverse complement: BMP4 is on the minus strand). VCF-style (leftmost placement, unchanged base first): chr14-53950656-GT-G. GRCh37 (hg19) VCF-style: chr14-54417374-GT-G.
Other names: c.743del, p.Asp248fs (NM_001347912.1); c.413del, p.Asp138fs (NM_001347913.2, NM_001347915.2, NM_001347917.1); c.602del, p.Asp201fs (NM_001347914.2, NM_001347916.1, NM_130850.5 and 1 more transcripts); short protein forms D138fs, D201fs, D248fs.
Identifiers: ClinVar variation 3370344 (VCV003370344.1).